The following is an entry in ClinVar:

ClinVar aggregate classification (germline): Likely pathogenic (1 of 4 stars; one submission).

Conditions:
Hereditary cancer-predisposing syndrome. Also called: Tumor predisposition; Hereditary neoplastic syndrome; Neoplastic Syndromes, Hereditary; Hereditary Cancer Syndrome. Identifiers: Orphanet 140162, MedGen C0027672, MeSH D009386, MONDO:0015356.

Submission:

Labcorp Genetics (formerly Invitae), Labcorp
Classification: Likely pathogenic for Hereditary cancer-predisposing syndrome. Last evaluated: 2020-01-06. Review status: criteria provided, single submitter. Criteria: Invitae Variant Classification Sherloc (09022015). Collection method: clinical testing. Allele origin: germline.
Comment: This variant results in the deletion of part of exon 13 (c.2154_2207+3330del) of the RAD50 gene. It is expected to disrupt RNA splicing and likely results in an absent or disrupted protein product. This variant has not been reported in the literature in individuals with RAD50-related conditions. Loss-of-function variants in RAD50 are known to be pathogenic (PMID: 16385572, 19409520). In summary, the currently available evidence indicates that the variant is pathogenic, but additional data are needed to prove that conclusively. Therefore, this variant has been classified as Likely Pathogenic.

NM_005732.4(RAD50):c.2156_2207+3332del

Gene: RAD50 (RAD50 double strand break repair protein; plus strand). Cytogenetic location: 5q31.1.
Variant type: Deletion.
Coding change: c.2156_2207+3332del on transcript NM_005732.4 (MANE Select); coding-DNA position 2156 through 3332 bases into the intron after coding-DNA position 2207, 3,384 bases deleted.
Molecular consequence: splice donor variant.
Genome position (GRCh38, 1-based): chr5:132,595,759-132,599,142, 3,384 bases deleted. GRCh37 (hg19): chr5:131,931,451-131,934,834.
Identifiers: ClinVar variation 859011 (VCV000859011.1), ClinGen allele CA916082769.